The following is an entry in ClinVar:

ClinVar aggregate classification (germline): Uncertain significance (1 of 4 stars; one submission).

Conditions:
Hereditary cancer-predisposing syndrome. Also called: Hereditary Cancer Syndrome; Hereditary neoplastic syndrome; Neoplastic Syndromes, Hereditary; Tumor predisposition. Identifiers: Orphanet 140162, MedGen C0027672, MeSH D009386, MONDO:0015356.

Submission:

Ambry Genetics
Classification: Uncertain significance for Hereditary cancer-predisposing syndrome. Last evaluated: 2026-07-14. Review status: criteria provided, single submitter. Criteria: Ambry Variant Classification Scheme 2023. Collection method: clinical testing. Allele origin: germline.
Comment: The p.H1718L variant (also known as c.5153A>T), located in coding exon 39 of the TSC2 gene, results from an A to T substitution at nucleotide position 5153. The histidine at codon 1718 is replaced by leucine, an amino acid with similar properties. This amino acid position is highly conserved in available vertebrate species. In addition, this alteration is predicted to be deleterious by in silico analysis. Based on the available evidence, the clinical significance of this variant remains unclear.

NM_000548.5(TSC2):c.5153A>T (p.His1718Leu)

Gene: TSC2 (TSC complex subunit 2; plus strand). Cytogenetic location: 16p13.3.
Variant type: single nucleotide variant.
Coding change: c.5153A>T on transcript NM_000548.5 (MANE Select); coding-DNA position 5153, A replaced by T.
Protein change: p.His1718Leu; replaces histidine 1718 with leucine.
Molecular consequence: missense variant.
Genome position (GRCh38, 1-based): chr16:2,088,132, A>T. VCF-style: chr16-2088132-A-T. GRCh37 (hg19) VCF-style: chr16-2138133-A-T.
Other names: c.4952A>T, p.His1651Leu (NM_001077183.3); c.5084A>T, p.His1695Leu (NM_001114382.3); c.4844A>T, p.His1615Leu (NM_001318827.2); c.4808A>T, p.His1603Leu (NM_001318829.2); c.4421A>T, p.His1474Leu (NM_001318831.2); c.4985A>T, p.His1662Leu (NM_001318832.2); c.4955A>T, p.His1652Leu (NM_001363528.2); c.5021A>T, p.His1674Leu (NM_001370404.1); and 26 more; short protein forms H1451L, H1602L, H1615L, H1647L, H1651L, H1652L, H1658L, H1674L.
Identifiers: ClinVar variation 1745682 (VCV001745682.3), dbSNP rs2151623402, ClinGen allele CA394312645.